The following is an entry in ClinVar:

NM_000214.3(JAG1):c.71T>G (p.Leu24Arg)

Gene: JAG1 (jagged canonical Notch ligand 1; minus strand). Cytogenetic location: 20p12.2.
Variant type: single nucleotide variant.
Coding change: c.71T>G on transcript NM_000214.3 (MANE Select); coding-DNA position 71, T replaced by G.
Protein change: p.Leu24Arg; replaces leucine 24 with arginine.
Molecular consequence: missense variant.
Genome position (GRCh38, 1-based): chr20:10,673,460, A>C on the plus strand (T>G on the coding strand, the complement: JAG1 is on the minus strand). VCF-style: chr20-10673460-A-C. GRCh37 (hg19) VCF-style: chr20-10654108-A-C.
Other names: short protein forms L24R.
Identifiers: ClinVar variation 3573165 (VCV003573165.4).

ClinVar aggregate classification (germline): Likely pathogenic (1 of 4 stars; one submission).

Conditions:
Alagille syndrome due to a JAG1 point mutation. Also called: HEPATIC DUCTULAR HYPOPLASIA, SYNDROMATIC; Alagille Syndrome 1; JAG1-Related Alagille Syndrome. Identifiers: Orphanet 261619, Orphanet 52, MedGen C1956125, MONDO:0016862, OMIM 118450.

Submissions (2):

Labcorp Genetics (formerly Invitae), Labcorp
Classification: Likely pathogenic for Alagille syndrome due to a JAG1 point mutation. Last evaluated: 2024-06-10. Review status: criteria provided, single submitter. Criteria: Invitae Variant Classification Sherloc (09022015). Collection method: clinical testing. Allele origin: germline.
Comment: This sequence change replaces leucine, which is neutral and non-polar, with arginine, which is basic and polar, at codon 24 of the JAG1 protein (p.Leu24Arg). This variant is not present in population databases (gnomAD no frequency). This missense change has been observed in individual(s) with Alagille syndrome (Invitae). In at least one individual the variant was observed to be de novo. Advanced modeling of protein sequence and biophysical properties (such as structural, functional, and spatial information, amino acid conservation, physicochemical variation, residue mobility, and thermodynamic stability) has been performed at Invitae for this missense variant, however the output from this modeling did not meet the statistical confidence thresholds required to predict the impact of this variant on JAG1 protein function. In summary, the currently available evidence indicates that the variant is pathogenic, but additional data are needed to prove that conclusively. Therefore, this variant has been classified as Likely Pathogenic.

Gilbert/Spinner Lab, Children's Hospital of Philadelphia
No classification provided (evidence only). Condition: Alagille syndrome. Review status: no classification provided. Collection method: research. Allele origin: not applicable. Functional consequence: functionally_abnormal. Not counted in ClinVar's aggregate classification.
ClinVar note: "not provided" was previously submitted as the classification for the variant. However, the classification appeared to be based only on an observation of functional data so it was converted to no classification on 2025-07-30.